The following is an entry in ClinVar:

NM_178452.6(DNAAF1):c.1957G>A (p.Glu653Lys)

Gene: DNAAF1 (dynein axonemal assembly factor 1; plus strand). Cytogenetic location: 16q24.1.
Variant type: single nucleotide variant.
Coding change: c.1957G>A on transcript NM_178452.6 (MANE Select); coding-DNA position 1957, G replaced by A.
Protein change: p.Glu653Lys; replaces glutamic acid 653 with lysine.
Molecular consequence: missense variant.
Genome position (GRCh38, 1-based): chr16:84,176,191, G>A. VCF-style: chr16-84176191-G-A. GRCh37 (hg19) VCF-style: chr16-84209797-G-A.
Other names: p.Glu653Lys; c.1249G>A, p.Glu417Lys (NM_001318756.1); short protein forms E417K, E653K.
Identifiers: ClinVar variation 1210270 (VCV001210270.14), dbSNP rs201034372, ClinGen allele CA8203067.

ClinVar aggregate classification (germline): Uncertain significance. Review status: criteria provided, multiple submitters, no conflicts (2 of 4 stars). 6 submissions from 6 submitters: Uncertain significance (6). Last evaluated 2025-06-24.

Conditions:
Primary ciliary dyskinesia 13. Also called: CILIARY DYSKINESIA, PRIMARY, 13, WITH OR WITHOUT SITUS INVERSUS. Identifiers: Orphanet 244, MedGen C2750790, MONDO:0013174, OMIM 613193.
Primary ciliary dyskinesia. Also called: Ciliary dyskinesia. Identifiers: Orphanet 244, MedGen C0008780, MONDO:0016575, HP:0012265.

Allele frequency attached by ClinVar (database versions not stated): gnomAD 0.00007; ESP Exome Variant Server 0.00008; 1000 Genomes Project 0.00020; 1000 Genomes Project 30x 0.00031.
gnomAD v4.1: 69 of 1,613,952 alleles (0.0043%); highest among the groups gnomAD compares: East Asian, 0.042%; no homozygotes.

Submissions (6):

ARUP Laboratories, Molecular Genetics and Genomics, ARUP Laboratories
Classification: Uncertain significance for Primary ciliary dyskinesia 13. Last evaluated: 2025-06-24. Review status: criteria provided, single submitter. Criteria: ARUP Molecular Germline Variant Investigation Process 2024. Collection method: clinical testing. Allele origin: germline.
Comment: The DNAAF1 c.1957G>A; p.Glu653Lys variant (rs201034372, ClinVar Variation ID: 1210270) is reported in one infant with heterotaxy-associated congenital heart disease (Marquez 2023). This variant is found in the general population with an overall allele frequency of 0.01% (32/282,516 alleles) in the Genome Aggregation Database (v2.1.1). Computational analyses predict that this variant is neutral (REVEL: 0.022). Due to limited information, the clinical significance of this variant is uncertain at this time. References: Marquez J et al. Ciliopathy gene variants and perioperative respiratory outcomes in infants with heterotaxy syndrome and congenital heart disease. Transportation Research Record. 2023;6(3):77-88.

Ambry Genetics
Classification: Uncertain significance for Primary ciliary dyskinesia. Last evaluated: 2025-04-06. Review status: criteria provided, single submitter. Criteria: Ambry Variant Classification Scheme 2023. Collection method: clinical testing. Allele origin: germline.

Labcorp Genetics (formerly Invitae), Labcorp
Classification: Uncertain significance for Primary ciliary dyskinesia. Last evaluated: 2024-11-11. Review status: criteria provided, single submitter. Criteria: Invitae Variant Classification Sherloc (09022015). Collection method: clinical testing. Allele origin: germline.
Comment: This sequence change replaces glutamic acid, which is acidic and polar, with lysine, which is basic and polar, at codon 653 of the DNAAF1 protein (p.Glu653Lys). This variant is present in population databases (rs201034372, gnomAD 0.04%). This variant has not been reported in the literature in individuals affected with DNAAF1-related conditions. ClinVar contains an entry for this variant (Variation ID: 1210270). An algorithm developed to predict the effect of missense changes on protein structure and function outputs the following: PolyPhen-2: "Benign". The lysine amino acid residue is found in multiple mammalian species, which suggests that this missense change does not adversely affect protein function. In summary, the available evidence is currently insufficient to determine the role of this variant in disease. Therefore, it has been classified as a Variant of Uncertain Significance.

Blueprint Genetics
Classification: Uncertain significance. Last evaluated: 2024-09-13. Review status: criteria provided, single submitter. Criteria: ACMG Guidelines, 2015. Collection method: clinical testing. Allele origin: germline.

Mayo Clinic Laboratories, Mayo Clinic
Classification: Uncertain significance. Last evaluated: 2024-06-25. Review status: criteria provided, single submitter. Criteria: ACMG Guidelines, 2015. Collection method: clinical testing. Allele origin: germline. Observed: 1 variant allele.
Comment: BP4

UNC Molecular Genetics  Laboratory, University of North Carolina at Chapel Hill
Classification: Uncertain significance for Primary ciliary dyskinesia. Last evaluated: 2021-01-31. Review status: criteria provided, single submitter. Criteria: ACMG Guidelines, 2015. Collection method: clinical testing. Allele origin: germline. Observed: 1 heterozygote.